The following is an entry in ClinVar:

NM_177438.3(DICER1):c.3401A>T (p.His1134Leu)

Gene: DICER1 (dicer 1, ribonuclease III; minus strand). Cytogenetic location: 14q32.13.
Variant type: single nucleotide variant.
Coding change: c.3401A>T on transcript NM_177438.3 (MANE Select); coding-DNA position 3401, A replaced by T.
Protein change: p.His1134Leu; replaces histidine 1134 with leucine.
Molecular consequence: missense variant.
Genome position (GRCh38, 1-based): chr14:95,103,995, T>A on the plus strand (A>T on the coding strand, the complement: DICER1 is on the minus strand). VCF-style: chr14-95103995-T-A. GRCh37 (hg19) VCF-style: chr14-95570332-T-A.
Other names: c.3401A>T, p.His1134Leu (NM_001195573.1, NM_001271282.3, NM_001291628.2 and 1 more transcripts); short protein forms H1134L.
Identifiers: ClinVar variation 823729 (VCV000823729.16), dbSNP rs1159674119, ClinGen allele CA390875591.
Genomic context (GRCh38, chr14:95,103,995, plus strand): 5'-CTGCAGTTCACAGACATTTGGTCATGATTTTCTAGAGAGGAGGTTCTATTAGCACCTTGA[T>A]GTGCAGCATTTTCAGGGACAATTGTGCTGTGCTTACAGTAATTATCATTTTCAGCTGAAG-3'
Protein context (NP_803187.1, residues 1124-1144): HSTIVPENAA[His1134Leu]QGANRTSSLE

ClinVar aggregate classification (germline): Uncertain significance. Review status: criteria provided, multiple submitters, no conflicts (2 of 4 stars). 2 submissions from 2 submitters: Uncertain significance (2). Last evaluated 2025-10-29.

Conditions:
Hereditary cancer-predisposing syndrome. Also called: Neoplastic Syndromes, Hereditary; Hereditary Cancer Syndrome; Hereditary neoplastic syndrome; Tumor predisposition. Identifiers: Orphanet 140162, MedGen C0027672, MeSH D009386, MONDO:0015356.
DICER1-related tumor predisposition. Also called: DICER1-related pleuropulmonary blastoma cancer predisposition syndrome; DICER1 syndrome. Identifiers: Orphanet 284343, MedGen C3839822, MONDO:0100216.

Allele frequency attached by ClinVar (database versions not stated): gnomAD exomes 0.00001 and 0.00002; TOPMed 0.00001.
gnomAD v4.1: 10 of 1,614,216 alleles (0.00062%); highest among the groups gnomAD compares: East Asian, 0.022%; no homozygotes.

Submissions (2):

Labcorp Genetics (formerly Invitae), Labcorp
Classification: Uncertain significance for DICER1-related tumor predisposition. Last evaluated: 2025-10-29. Review status: criteria provided, single submitter. Criteria: Invitae Variant Classification Sherloc (09022015). Collection method: clinical testing. Allele origin: germline.
Comment: This sequence change replaces histidine, which is basic and polar, with leucine, which is neutral and non-polar, at codon 1134 of the DICER1 protein (p.His1134Leu). This variant is present in population databases (no rsID available, gnomAD 0.01%). This variant has not been reported in the literature in individuals affected with DICER1-related conditions. ClinVar contains an entry for this variant (Variation ID: 823729). Invitae Evidence Modeling of protein sequence and biophysical properties (such as structural, functional, and spatial information, amino acid conservation, physicochemical variation, residue mobility, and thermodynamic stability) indicates that this missense variant is not expected to disrupt DICER1 protein function with a negative predictive value of 95%. In summary, the available evidence is currently insufficient to determine the role of this variant in disease. Therefore, it has been classified as a Variant of Uncertain Significance.

Ambry Genetics
Classification: Uncertain significance for Hereditary cancer-predisposing syndrome. Last evaluated: 2024-07-29. Review status: criteria provided, single submitter. Criteria: Ambry Variant Classification Scheme 2023. Collection method: clinical testing. Allele origin: germline.
Comment: The p.H1134L variant (also known as c.3401A>T), located in coding exon 20 of the DICER1 gene, results from an A to T substitution at nucleotide position 3401. The histidine at codon 1134 is replaced by leucine, an amino acid with similar properties. This amino acid position is not well conserved in available vertebrate species. In addition, this alteration is predicted to be tolerated by in silico analysis. Since supporting evidence is limited at this time, the clinical significance of this alteration remains unclear.